The following is an entry in ClinVar:

NM_015141.4(GPD1L):c.911C>T (p.Thr304Ile)

Gene: GPD1L (glycerol-3-phosphate dehydrogenase 1 like; plus strand). Cytogenetic location: 3p22.3.
Variant type: single nucleotide variant.
Coding change: c.911C>T on transcript NM_015141.4 (MANE Select); coding-DNA position 911, C replaced by T.
Protein change: p.Thr304Ile; replaces threonine 304 with isoleucine.
Molecular consequence: missense variant.
Genome position (GRCh38, 1-based): chr3:32,159,626, C>T. VCF-style: chr3-32159626-C-T. GRCh37 (hg19) VCF-style: chr3-32201118-C-T.
Other names: short protein forms T304I.
Identifiers: ClinVar variation 2564416 (VCV002564416.2), dbSNP rs1360642332, ClinGen allele CA351969873.
Genomic context (GRCh38, chr3:32,159,626, plus strand): 5'-AGACCATTGAAGAGTTGGAGAAGGAGATGCTGAATGGGCAAAAGCTCCAAGGACCGCAGA[C>T]TTCTGCTGAAGTGTACCGCATCCTCAAACAGAAGGGACTACTGGACAAGTAAGTCTCTCA-3'
Protein context (NP_055956.1, residues 294-314): LNGQKLQGPQ[Thr304Ile]SAEVYRILKQ

ClinVar aggregate classification (germline): Uncertain significance (1 of 4 stars; one submission).

Conditions:
Cardiovascular phenotype. Identifiers: MedGen CN230736.

Allele frequency attached by ClinVar (database versions not stated): gnomAD exomes below 0.00001; gnomAD 0.00001.
gnomAD v4.1: 4 of 1,613,130 alleles (0.00025%); highest among the groups gnomAD compares: African/African-American, 0.0013%; no homozygotes.

Submission:

Ambry Genetics
Classification: Uncertain significance for Cardiovascular phenotype. Last evaluated: 2023-04-14. Review status: criteria provided, single submitter. Criteria: Ambry Variant Classification Scheme 2023. Collection method: clinical testing. Allele origin: germline.
Comment: The p.T304I variant (also known as c.911C>T), located in coding exon 7 of the GPD1L gene, results from a C to T substitution at nucleotide position 911. The threonine at codon 304 is replaced by isoleucine, an amino acid with similar properties. This amino acid position is conserved. In addition, this alteration is predicted to be deleterious by in silico analysis. Since supporting evidence is limited at this time, the clinical significance of this alteration remains unclear.